The following is an entry in ClinVar:

ClinVar aggregate classification (germline): Uncertain significance (1 of 4 stars; one submission).

Conditions:
Intellectual developmental disorder, X-linked, syndromic, Claes-Jensen type. Also called: INTELLECTUAL DEVELOPMENTAL DISORDER, X-LINKED, SYNDROMIC 16; MENTAL RETARDATION, X-LINKED, SYNDROMIC 16; Syndromic X-linked intellectual disability Claes-Jensen type. Identifiers: Orphanet 85279, MedGen C1845243, MONDO:0010355, OMIM 300534.

Allele frequency attached by ClinVar (database versions not stated): gnomAD exomes below 0.00001.
gnomAD v4.1: 1 of 1,212,007 alleles (0.000083%); highest among the groups gnomAD compares: Non-Finnish European, 0.00011%; no homozygotes.

Submission:

Johns Hopkins Genomics, Johns Hopkins University
Classification: Uncertain significance for Intellectual developmental disorder, X-linked, syndromic, Claes-Jensen type. Last evaluated: 2019-10-04. Review status: criteria provided, single submitter. Criteria: ACMG Guidelines, 2015. Collection method: clinical testing. Allele origin: germline.
Comment: This KDM5C variant is absent from a large population dataset and has not been reported in ClinVar nor the literature, to our knowledge. Three bioinformatic tools queried predict that this substitution would be tolerated, and the serine residue at this position is evolutionarily conserved across most higher order mammals. Bioinformatic analysis predicts that this variant would not affect normal exon 23 splicing, although this has not been confirmed experimentally to our knowledge. Due to insufficient evidence that this variant is deleterious, we consider the clinical significance of c.3517A>T to be uncertain at this time.

NM_004187.5(KDM5C):c.3517A>T (p.Ser1173Cys)

Gene: KDM5C (lysine demethylase 5C; minus strand). Cytogenetic location: Xp11.22.
Variant type: single nucleotide variant.
Coding change: c.3517A>T on transcript NM_004187.5 (MANE Select); coding-DNA position 3517, A replaced by T.
Protein change: p.Ser1173Cys; replaces serine 1173 with cysteine.
Molecular consequence: missense variant. On other transcripts: non-coding transcript variant (3).
Genome position (GRCh38, 1-based): chrX:53,194,660, T>A on the plus strand (A>T on the coding strand, the complement: KDM5C is on the minus strand). VCF-style: chrX-53194660-T-A. GRCh37 (hg19) VCF-style: chrX-53223842-T-A.
Other names: c.3316A>T, p.Ser1106Cys (NM_001146702.2); c.3514A>T, p.Ser1172Cys (NM_001282622.3, NM_001353979.2, NM_001353982.2); c.3517A>T, p.Ser1173Cys (NM_001353978.3, NM_001353981.2, NM_001353984.2); short protein forms S1172C, S1173C, S1106C.
Identifiers: ClinVar variation 816647 (VCV000816647.1), dbSNP rs1602162404, ClinGen allele CA413108758.